The following is an entry in ClinVar:

ClinVar aggregate classification (germline): Uncertain significance (1 of 4 stars; one submission).

Conditions:
Neurofibromatosis, type 1 (NF1). Also called: Peripheral type neurofibromatosis; Neurofibromatosis, type I; VON RECKLINGHAUSEN DISEASE; NEUROFIBROMATOSIS, TYPE I, SOMATIC. Identifiers: Orphanet 636, MedGen C0027831, MONDO:0018975, OMIM 162200. Disease mechanism: loss of function.

Submission:

Labcorp Genetics (formerly Invitae), Labcorp
Classification: Uncertain significance for Neurofibromatosis, type 1. Last evaluated: 2022-08-22. Review status: criteria provided, single submitter. Criteria: Invitae Variant Classification Sherloc (09022015). Collection method: clinical testing. Allele origin: germline.
Comment: In summary, the available evidence is currently insufficient to determine the role of this variant in disease. Therefore, it has been classified as a Variant of Uncertain Significance. Advanced modeling of protein sequence and biophysical properties (such as structural, functional, and spatial information, amino acid conservation, physicochemical variation, residue mobility, and thermodynamic stability) performed at Invitae indicates that this missense variant is expected to disrupt NF1 protein function. ClinVar contains an entry for this variant (Variation ID: 575154). This variant has not been reported in the literature in individuals affected with NF1-related conditions. This variant is not present in population databases (gnomAD no frequency). This sequence change replaces lysine, which is basic and polar, with asparagine, which is neutral and polar, at codon 92 of the NF1 protein (p.Lys92Asn).

NM_001042492.3(NF1):c.276A>T (p.Lys92Asn)

Gene: NF1 (neurofibromin 1; plus strand). Cytogenetic location: 17q11.2.
Variant type: single nucleotide variant.
Coding change: c.276A>T on transcript NM_001042492.3 (MANE Select); coding-DNA position 276, A replaced by T.
Protein change: p.Lys92Asn; replaces lysine 92 with asparagine.
Molecular consequence: missense variant.
Genome position (GRCh38, 1-based): chr17:31,159,081, A>T. VCF-style: chr17-31159081-A-T. GRCh37 (hg19) VCF-style: chr17-29486099-A-T.
Other names: c.276A>T, p.Lys92Asn (NM_000267.4, NM_001128147.3); short protein forms K92N.
Identifiers: ClinVar variation 575154 (VCV000575154.5), dbSNP rs1060503900, ClinGen allele CA398989824.
Genomic context (GRCh38, chr17:31,159,081, plus strand): 5'-AGAAGCTGCTGAAAAAAATTTATATCTCTCTCAGTTGATTATATTGGATACACTGGAAAA[A>T]TGTCTTGCTGGGGTAAGTAAATTGATCTTAAGTAGGCAGGCTTTGTGAATTTGATCTTGA-3'
Protein context (NP_001035957.1, residues 82-102): SQLIILDTLE[Lys92Asn]CLAGQPKDTM